The following is an entry in ClinVar:

NM_182961.4(SYNE1):c.21029T>A (p.Val7010Glu)

Gene: SYNE1 (spectrin repeat containing nuclear envelope protein 1; minus strand). Cytogenetic location: 6q25.2.
Variant type: single nucleotide variant.
Coding change: c.21029T>A on transcript NM_182961.4 (MANE Select); coding-DNA position 21029, T replaced by A.
Protein change: p.Val7010Glu; replaces valine 7010 with glutamic acid.
Molecular consequence: missense variant.
Genome position (GRCh38, 1-based): chr6:152,231,401, A>T on the plus strand (T>A on the coding strand, the complement: SYNE1 is on the minus strand). VCF-style: chr6-152231401-A-T. GRCh37 (hg19) VCF-style: chr6-152552536-A-T.
Other names: c.20816T>A, p.Val6939Glu (NM_033071.5); short protein forms V6939E, V7010E.
Identifiers: ClinVar variation 355836 (VCV000355836.27), dbSNP rs141275966, ClinGen allele CA4054275.

ClinVar aggregate classification (germline): Conflicting classifications of pathogenicity. Review status: criteria provided, conflicting classifications (1 of 4 stars). 9 submissions from 8 submitters: Uncertain significance (7); Likely benign (1). 1 of the submissions does not count toward it. Last evaluated 2025-05-14.

Conditions:
SYNE1-related disorder. Also called: SYNE1-related disorders; SYNE1-related disease; SYNE1-related condition.
Inborn genetic diseases. Identifiers: MedGen C0950123, MeSH D030342.
Autosomal recessive ataxia, Beauce type. Also called: SYNE1 Deficiency; SYNE1-Related Autosomal Recessive Cerebellar Ataxia; Spinocerebellar ataxia, autosomal recessive 8; ATAXIA, RECESSIVE, OF BEAUCE. Identifiers: Orphanet 88644, MedGen C1853116, MONDO:0012549, OMIM 610743.
Emery-Dreifuss muscular dystrophy 4, autosomal dominant (EDMD4). Also called: EMERY-DREIFUSS MUSCULAR DYSTROPHY 4 WITH VARIABLE FEATURES. Identifiers: Orphanet 261, MedGen C2751807, MONDO:0013071, OMIM 612998.

Allele frequency attached by ClinVar (database versions not stated): ExAC 0.00003; gnomAD exomes 0.00003 and 0.00004; gnomAD 0.00021 and 0.00023; ESP Exome Variant Server 0.00023; TOPMed 0.00025.
gnomAD v4.1: 70 of 1,614,016 alleles (0.0043%); highest among the groups gnomAD compares: African/African-American, 0.087%; no homozygotes.

Submissions (9):

Labcorp Genetics (formerly Invitae), Labcorp
Classification: Uncertain significance for Emery-Dreifuss muscular dystrophy 4, autosomal dominant; Autosomal recessive ataxia, Beauce type. Last evaluated: 2025-05-14. Review status: criteria provided, single submitter. Criteria: Invitae Variant Classification Sherloc (09022015). Collection method: clinical testing. Allele origin: germline.
Comment: This sequence change replaces valine, which is neutral and non-polar, with glutamic acid, which is acidic and polar, at codon 6939 of the SYNE1 protein (p.Val6939Glu). This variant is present in population databases (rs141275966, gnomAD 0.06%). This variant has not been reported in the literature in individuals affected with SYNE1-related conditions. ClinVar contains an entry for this variant (Variation ID: 355836). An algorithm developed to predict the effect of missense changes on protein structure and function (PolyPhen-2) suggests that this variant is likely to be disruptive. In summary, the available evidence is currently insufficient to determine the role of this variant in disease. Therefore, it has been classified as a Variant of Uncertain Significance.

GeneDx
Classification: Uncertain significance. Last evaluated: 2024-05-01. Review status: criteria provided, single submitter. Criteria: GeneDx Variant Classification Process June 2021. Collection method: clinical testing. Allele origin: germline. Affected: yes.
Comment: In silico analysis supports that this missense variant has a deleterious effect on protein structure/function; Has not been previously published as pathogenic or benign to our knowledge

Ambry Genetics
Classification: Uncertain significance for Inborn genetic diseases. Last evaluated: 2021-09-27. Review status: criteria provided, single submitter. Criteria: Ambry Variant Classification Scheme 2023. Collection method: clinical testing. Allele origin: germline.

Athena Diagnostics
Classification: Uncertain significance. Last evaluated: 2020-09-09. Review status: criteria provided, single submitter. Criteria: Athena Diagnostics criteria. Collection method: clinical testing. Allele origin: unknown.

Revvity Omics, Revvity
Classification: Uncertain significance. Last evaluated: 2019-02-04. Review status: criteria provided, single submitter. Criteria: ACMG Guidelines, 2015. Collection method: clinical testing. Allele origin: germline.

Eurofins Ntd Llc (ga)
Classification: Uncertain significance. Last evaluated: 2018-07-12. Review status: criteria provided, single submitter. Criteria: EGL ClinVar v180209 classification definitions. Collection method: clinical testing. Allele origin: germline. Observed: 1 variant allele, 1 heterozygote.

Illumina Laboratory Services, Illumina
Classification: Uncertain significance for Autosomal recessive ataxia, Beauce type. Last evaluated: 2018-01-12. Review status: criteria provided, single submitter. Criteria: ICSL Variant Classification Criteria 13 December 2019. Collection method: clinical testing. Allele origin: germline.

Illumina Laboratory Services, Illumina
Classification: Likely benign for Emery-Dreifuss muscular dystrophy 4, autosomal dominant. Last evaluated: 2018-01-12. Review status: criteria provided, single submitter. Criteria: ICSL Variant Classification Criteria 13 December 2019. Collection method: clinical testing. Allele origin: germline.
Comment: This variant was observed in the ICSL laboratory as part of a predisposition screen in an ostensibly healthy population. It had not been previously curated by ICSL or reported in the Human Gene Mutation Database (HGMD: prior to June 1st, 2018), and was therefore a candidate for classification through an automated scoring system. Utilizing variant allele frequency, disease prevalence and penetrance estimates, and inheritance mode, an automated score was calculated to assess if this variant is too frequent to cause the disease. Based on the score and internal cut-off values, a variant classified as likely benign is not then subjected to further curation. The score for this variant resulted in a classification of likely benign for this disease.

PreventionGenetics, part of Exact Sciences
Classification: Uncertain significance for SYNE1-related condition. Last evaluated: 2024-02-20. Review status: no assertion criteria provided. Collection method: clinical testing. Allele origin: germline. Not counted in ClinVar's aggregate classification.
Comment: The SYNE1 c.20816T>A variant is predicted to result in the amino acid substitution p.Val6939Glu. To our knowledge, this variant has not been reported in the literature. This variant is reported in 0.060% of alleles in individuals of African descent in gnomAD. At this time, the clinical significance of this variant is uncertain due to the absence of conclusive functional and genetic evidence.